The following is an entry in ClinVar:

NM_001267550.2(TTN):c.81858T>C (p.Val27286=)

Genes: TTN-AS1 (TTN antisense RNA 1; plus strand), TTN (titin; minus strand). Cytogenetic location: 2q31.2.
Variant type: single nucleotide variant.
Coding change: c.81858T>C on transcript NM_001267550.2 (MANE Select); coding-DNA position 81858, T replaced by C.
Protein change: p.Val27286=; no amino-acid change (valine 27286 retained).
Molecular consequence: synonymous variant.
Genome position (GRCh38, 1-based): chr2:178,564,274, A>G on the plus strand (T>C on the coding strand, the complement: TTN is on the minus strand). VCF-style: chr2-178564274-A-G. GRCh37 (hg19) VCF-style: chr2-179429001-A-G.
Other names: c.76935T>C, p.Val25645= (NM_001256850.1); c.54663T>C, p.Val18221= (NM_003319.4); c.55038T>C, p.Val18346= (NM_133432.3); c.55239T>C, p.Val18413= (NM_133437.4); c.74154T>C, p.Val24718= (NM_133378.4).
Identifiers: ClinVar variation 165803 (VCV000165803.19), dbSNP rs727503558, ClinGen allele CA178479.

ClinVar aggregate classification (germline): Likely benign. Review status: criteria provided, multiple submitters, no conflicts (2 of 4 stars). 4 submissions from 4 submitters: Likely benign (4). Last evaluated 2024-08-12.

Conditions:
Cardiomyopathy (CMYO). Also called: Cardiomyopathies. Identifiers: Orphanet 167848, MedGen C0878544, MONDO:0004994, HP:0001638. Inheritance: Various modes of inheritance.
Cardiovascular phenotype. Identifiers: MedGen CN230736.
Dilated cardiomyopathy 1G (CMD1G). Identifiers: Orphanet 154, MedGen C1858763, MONDO:0011400, OMIM 604145.
Autosomal recessive limb-girdle muscular dystrophy type 2J (LGMDR10). Also called: Limb-girdle muscular dystrophy, type 2J; MUSCULAR DYSTROPHY, LIMB-GIRDLE, AUTOSOMAL RECESSIVE 10. Identifiers: Orphanet 140922, MedGen C1837342, MONDO:0012127, OMIM 608807.

Allele frequency attached by ClinVar (database versions not stated): gnomAD exomes 0.00001; ExAC 0.00002; gnomAD 0.00002 and 0.00003; TOPMed 0.00002.
gnomAD v4.1: 27 of 1,613,410 alleles (0.0017%); highest among the groups gnomAD compares: Non-Finnish European, 0.0019%; no homozygotes.

Submissions (4):

Labcorp Genetics (formerly Invitae), Labcorp
Classification: Likely benign for Dilated cardiomyopathy 1G; Autosomal recessive limb-girdle muscular dystrophy type 2J. Last evaluated: 2024-08-12. Review status: criteria provided, single submitter. Criteria: Invitae Variant Classification Sherloc (09022015). Collection method: clinical testing. Allele origin: germline.

CHEO Genetics Diagnostic Laboratory, Children's Hospital of Eastern Ontario
Classification: Likely benign for Cardiomyopathy. Last evaluated: 2021-10-13. Review status: criteria provided, single submitter. Criteria: ACMG Guidelines, 2015. Collection method: clinical testing. Allele origin: germline.

Ambry Genetics
Classification: Likely benign for Cardiovascular phenotype. Last evaluated: 2019-06-10. Review status: criteria provided, single submitter. Criteria: Ambry Variant Classification Scheme 2023. Collection method: clinical testing. Allele origin: germline.

Laboratory for Molecular Medicine, Mass General Brigham Personalized Medicine
Classification: Likely benign. Last evaluated: 2014-02-06. Review status: criteria provided, single submitter. Criteria: LMM Criteria. Collection method: clinical testing. Allele origin: germline. Observed: 1 variant allele.
Comment: Val24718Val in exon 275 of TTN: This variant is not expected to have clinical si gnificance because it does not alter an amino acid residue and is not located wi thin the splice consensus sequence. Val24718Val in exon 275 of TTN (allele freq uency = N/A)